The following is an entry in ClinVar:

ClinVar aggregate classification (germline): Uncertain significance (1 of 4 stars; one submission).

Submission:

GeneDx
Classification: Uncertain significance. Last evaluated: 2025-01-28. Review status: criteria provided, single submitter. Criteria: GeneDx Variant Classification Process June 2021. Collection method: clinical testing. Allele origin: germline. Affected: yes.
Comment: Has not been previously published as pathogenic or benign to our knowledge; Not observed at significant frequency in large population cohorts (gnomAD); In silico analysis indicates that this missense variant does not alter protein structure/function

NM_002971.6(SATB1):c.730A>C (p.Lys244Gln)

Gene: SATB1 (SATB homeobox 1; minus strand). Cytogenetic location: 3p24.3.
Variant type: single nucleotide variant.
Coding change: c.730A>C on transcript NM_002971.6 (MANE Select); coding-DNA position 730, A replaced by C.
Protein change: p.Lys244Gln; replaces lysine 244 with glutamine.
Molecular consequence: missense variant.
Genome position (GRCh38, 1-based): chr3:18,397,200, T>G on the plus strand (A>C on the coding strand, the complement: SATB1 is on the minus strand). VCF-style: chr3-18397200-T-G. GRCh37 (hg19) VCF-style: chr3-18438692-T-G.
Other names: c.730A>C, p.Lys244Gln (NM_001131010.4, NM_001195470.3, NM_001322871.2 and 4 more transcripts); c.514A>C, p.Lys172Gln (NM_001322876.2); short protein forms K172Q, K244Q.
Identifiers: ClinVar variation 4071928 (VCV004071928.1).
Genomic context (GRCh38, chr3:18,397,200, plus strand): 5'-ATGGTATGTAGCCACTGCTGCAATGTTTTTTTTGCTTACCCATCATATCTTTTGTCTTCT[T>G]GAAATGTTTGTACCACCTTCCAAATTCTTGACATTTTGCTGCTGAGACATTTGCATAGTA-3'
Protein context (NP_002962.1, residues 234-254): QEFGRWYKHF[Lys244Gln]KTKDMMVEMD